The following is an entry in ClinVar:

ClinVar aggregate classification (germline): Uncertain significance. Review status: criteria provided, multiple submitters, no conflicts (2 of 4 stars). 2 submissions from 2 submitters: Uncertain significance (2). Last evaluated 2025-08-27.

Conditions:
Inborn genetic diseases. Identifiers: MedGen C0950123, MeSH D030342.
T-cell immunodeficiency, congenital alopecia, and nail dystrophy. Also called: Congenital alopecia and nail dystrophy associated with severe functional T-cell immunodeficiency; Pignata Guarino syndrome. Identifiers: Orphanet 169095, MedGen C1866426, MONDO:0011132, OMIM 601705.

Allele frequency attached by ClinVar (database versions not stated): TOPMed below 0.00001; ExAC 0.00001.

Submissions (2):

Ambry Genetics
Classification: Uncertain significance for Inborn genetic diseases. Last evaluated: 2025-08-27. Review status: criteria provided, single submitter. Criteria: Ambry Variant Classification Scheme 2023. Collection method: clinical testing. Allele origin: germline.

Labcorp Genetics (formerly Invitae), Labcorp
Classification: Uncertain significance for T-cell immunodeficiency, congenital alopecia, and nail dystrophy. Last evaluated: 2022-09-16. Review status: criteria provided, single submitter. Criteria: Invitae Variant Classification Sherloc (09022015). Collection method: clinical testing. Allele origin: germline.
Comment: This sequence change replaces proline, which is neutral and non-polar, with threonine, which is neutral and polar, at codon 56 of the FOXN1 protein (p.Pro56Thr). The frequency data for this variant in the population databases is considered unreliable, as metrics indicate poor data quality at this position in the gnomAD database. This variant has not been reported in the literature in individuals affected with FOXN1-related conditions. Advanced modeling of protein sequence and biophysical properties (such as structural, functional, and spatial information, amino acid conservation, physicochemical variation, residue mobility, and thermodynamic stability) performed at Invitae indicates that this missense variant is not expected to disrupt FOXN1 protein function. In summary, the available evidence is currently insufficient to determine the role of this variant in disease. Therefore, it has been classified as a Variant of Uncertain Significance.

NM_001369369.1(FOXN1):c.166C>A (p.Pro56Thr)

Gene: FOXN1 (forkhead box N1; plus strand). Cytogenetic location: 17q11.2.
Variant type: single nucleotide variant.
Coding change: c.166C>A on transcript NM_001369369.1 (MANE Select); coding-DNA position 166, C replaced by A.
Protein change: p.Pro56Thr; replaces proline 56 with threonine.
Molecular consequence: missense variant.
Genome position (GRCh38, 1-based): chr17:28,524,545, C>A. VCF-style: chr17-28524545-C-A. GRCh37 (hg19) VCF-style: chr17-26851563-C-A.
Other names: c.166C>A, p.Pro56Thr (NM_003593.3); short protein forms P56T.
Identifiers: ClinVar variation 2187107 (VCV002187107.2), dbSNP rs753353730, ClinGen allele CA8459168.